The following is an entry in ClinVar:

NC_000002.11:g.(?_150426150)_(150443664_150444177)dup

Gene: MMADHC (metabolism of cobalamin associated D; minus strand). Cytogenetic location: 2q23.2.
Variant type: Duplication.
Identifiers: ClinVar variation 2691596 (VCV002691596.1).

ClinVar aggregate classification (germline): Uncertain significance (1 of 4 stars; one submission).

Submission:

Women's Health and Genetics/Laboratory Corporation of America, LabCorp
Classification: Uncertain significance. Last evaluated: 2023-12-11. Review status: criteria provided, single submitter. Criteria: LabCorp Variant Classification Summary - May 2015. Collection method: clinical testing. Allele origin: germline.
Comment: Variant summary: The variant involves the duplication of exons 2-8 in the MMADHC gene. A presumed nomenclature of c.(-53+1_-52-1)_(*338_?)dup has been designated for the purposes of this classification. This duplication includes the entire coding sequence (CDS) of the gene. As exact breakpoints are unknown, it may extend beyond the annotated region of the gene, to include other flanking genes. A large duplication that encompasses the full CDS of the gene was found at a frequency of 2.3e-06 in 441,900 control chromosomes in the gnomAD database (CNVs v4.0 dataset). The available data on variant occurrences in the general population are insufficient to allow any conclusion about variant significance. To our knowledge, no occurrence of c.(-53+1_-52-1)_(*338_?)dup in individuals affected with Methylmalonic Acidemia With Homocystinuria and no experimental evidence demonstrating its impact on protein function have been reported. No submitters have cited clinical-significance assessments for this variant to ClinVar after 2014. Based on the evidence outlined above, the variant was classified as uncertain significance.